The following is an entry in ClinVar:

NM_014795.4(ZEB2):c.3154G>T (p.Glu1052Ter)

Gene: ZEB2 (zinc finger E-box binding homeobox 2; minus strand). Cytogenetic location: 2q22.3.
Variant type: single nucleotide variant.
Coding change: c.3154G>T on transcript NM_014795.4 (MANE Select); coding-DNA position 3154, G replaced by T.
Protein change: p.Glu1052Ter; replaces glutamic acid 1052 with a stop codon.
Molecular consequence: nonsense.
Genome position (GRCh38, 1-based): chr2:144,389,942, C>A on the plus strand (G>T on the coding strand, the complement: ZEB2 is on the minus strand). VCF-style: chr2-144389942-C-A. GRCh37 (hg19) VCF-style: chr2-145147509-C-A.
Other names: c.3082G>T, p.Glu1028Ter (NM_001171653.2); short protein forms E1052*, E1028*.
Identifiers: ClinVar variation 1428527 (VCV001428527.8), dbSNP rs2149872664, ClinGen allele CA348700885.

ClinVar aggregate classification (germline): Pathogenic (1 of 4 stars; one submission).

Conditions:
Mowat-Wilson syndrome (MOWS). Also called: Classic Mowat-Wilson Syndrome. Identifiers: Orphanet 2152, MedGen C1856113, MONDO:0009341, OMIM 235730.

Submission:

Labcorp Genetics (formerly Invitae), Labcorp
Classification: Pathogenic for Mowat-Wilson syndrome. Last evaluated: 2021-04-06. Review status: criteria provided, single submitter. Criteria: Invitae Variant Classification Sherloc (09022015). Collection method: clinical testing. Allele origin: germline.
Comment: For these reasons, this variant has been classified as Pathogenic. This variant disrupts the C-terminus of the ZEB2 protein. Other variant(s) that disrupt this region (p.His1066Glnfs*56) have been determined to be pathogenic (Invitae). This suggests that variants that disrupt this region of the protein are likely to be causative of disease. This variant has not been reported in the literature in individuals with ZEB2-related conditions. This variant is not present in population databases (ExAC no frequency). This sequence change creates a premature translational stop signal (p.Glu1052*) in the ZEB2 gene. While this is not anticipated to result in nonsense mediated decay, it is expected to disrupt the last 163 amino acid(s) of the ZEB2 protein.